The following is an entry in ClinVar:

ClinVar aggregate classification (germline): Likely benign. Review status: criteria provided, multiple submitters, no conflicts (2 of 4 stars). 3 submissions from 3 submitters: Likely benign (2). 1 of the submissions does not count toward it. Last evaluated 2026-01-26.

Conditions:
MYH3-related disorder. Also called: MYH3-Related Disorders; MYH3-related condition. Identifiers: MedGen CN239329.

Allele frequency attached by ClinVar (database versions not stated): gnomAD exomes 0.00027 and 0.00067; ExAC 0.00093; 1000 Genomes Project 30x 0.00234; 1000 Genomes Project 0.00240; gnomAD 0.00269 and 0.00291; TOPMed 0.00308; ESP Exome Variant Server 0.00331.
gnomAD v4.1: 828 of 1,613,994 alleles (0.051%); highest among the groups gnomAD compares: African/African-American, 0.9%; 4 homozygotes.

Submissions (3):

Labcorp Genetics (formerly Invitae), Labcorp
Classification: Likely benign. Last evaluated: 2026-01-26. Review status: criteria provided, single submitter. Criteria: Invitae Variant Classification Sherloc (09022015). Collection method: clinical testing. Allele origin: germline.

Blueprint Genetics
Classification: Likely benign. Last evaluated: 2024-11-12. Review status: criteria provided, single submitter. Criteria: ACMG Guidelines, 2015. Collection method: clinical testing. Allele origin: germline.

PreventionGenetics, part of Exact Sciences
Classification: Benign for MYH3-related condition. Last evaluated: 2019-06-19. Review status: no assertion criteria provided. Collection method: clinical testing. Allele origin: germline. Not counted in ClinVar's aggregate classification.
Comment: This variant is classified as benign based on ACMG/AMP sequence variant interpretation guidelines (Richards et al. 2015 PMID: 25741868, with internal and published modifications).

NM_002470.4(MYH3):c.4137C>T (p.Asp1379=)

Gene: MYH3 (myosin heavy chain 3; minus strand). Cytogenetic location: 17p13.1.
Variant type: single nucleotide variant.
Coding change: c.4137C>T on transcript NM_002470.4 (MANE Select); coding-DNA position 4137, C replaced by T.
Protein change: p.Asp1379=; no amino-acid change (aspartic acid 1379 retained).
Molecular consequence: synonymous variant.
Genome position (GRCh38, 1-based): chr17:10,635,402, G>A on the plus strand (C>T on the coding strand, the complement: MYH3 is on the minus strand). VCF-style: chr17-10635402-G-A. GRCh37 (hg19) VCF-style: chr17-10538719-G-A.
Identifiers: ClinVar variation 703812 (VCV000703812.13), dbSNP rs146070094, ClinGen allele CA8392306.